The following is an entry in ClinVar:

ClinVar aggregate classification (germline): Benign/Likely benign. Review status: criteria provided, multiple submitters, no conflicts (2 of 4 stars). 3 submissions from 3 submitters: Benign (1); Likely benign (2). Last evaluated 2026-05-01.

Conditions:
Hereditary nonpolyposis colorectal neoplasms. Identifiers: MedGen C0009405, MeSH D003123.
Hereditary cancer-predisposing syndrome. Also called: Hereditary neoplastic syndrome; Neoplastic Syndromes, Hereditary; Tumor predisposition; Hereditary Cancer Syndrome. Identifiers: Orphanet 140162, MedGen C0027672, MeSH D009386, MONDO:0015356.
Lynch syndrome 4 (LYNCH4). Also called: Hereditary non-polyposis colorectal cancer, type 4; Colorectal cancer, hereditary nonpolyposis, type 4. Identifiers: Orphanet 144, MedGen C1838333, MONDO:0013699, OMIM 614337. Disease mechanism: loss of function.

Submissions (3):

Ambry Genetics
Classification: Likely benign for Hereditary cancer-predisposing syndrome. Last evaluated: 2026-05-01. Review status: criteria provided, single submitter. Criteria: Ambry Variant Classification Scheme 2023. Collection method: clinical testing. Allele origin: germline.

Myriad Genetics, Inc.
Classification: Benign for Lynch syndrome 4. Last evaluated: 2025-01-31. Review status: criteria provided, single submitter. Criteria: Myriad Autosomal Dominant, Autosomal Recessive and X-Linked Classification Criteria (2023). Collection method: clinical testing. Allele origin: unknown.
Comment: This variant is considered benign. This variant is a silent/synonymous amino acid change and it is not expected to impact splicing.

Labcorp Genetics (formerly Invitae), Labcorp
Classification: Likely benign for Hereditary nonpolyposis colorectal neoplasms. Last evaluated: 2023-05-18. Review status: criteria provided, single submitter. Criteria: Invitae Variant Classification Sherloc (09022015). Collection method: clinical testing. Allele origin: germline.

NM_000535.7(PMS2):c.1911G>A (p.Gln637=)

Gene: PMS2 (PMS1 homolog 2, mismatch repair system component; minus strand). Cytogenetic location: 7p22.1.
Variant type: single nucleotide variant.
Coding change: c.1911G>A on transcript NM_000535.7 (MANE Select); coding-DNA position 1911, G replaced by A.
Protein change: p.Gln637=; no amino-acid change (glutamine 637 retained).
Molecular consequence: synonymous variant. On other transcripts: non-coding transcript variant (1), intron variant (1).
Genome position (GRCh38, 1-based): chr7:5,986,854, C>T on the plus strand (G>A on the coding strand, the complement: PMS2 is on the minus strand). VCF-style: chr7-5986854-C-T. GRCh37 (hg19) VCF-style: chr7-6026485-C-T.
Other names: c.1506G>A, p.Gln502= (NM_001018040.1, NM_001322003.2, NM_001322004.2 and 17 more transcripts); c.1755G>A, p.Gln585= (NM_001322006.2, NM_001406870.1); c.1593G>A, p.Gln531= (NM_001322007.2, NM_001322008.2, NM_001406876.1 and 2 more transcripts); c.1350G>A, p.Gln450= (NM_001322010.2, NM_001406906.1, NM_001406907.1); c.978G>A, p.Gln326= (NM_001322011.2, NM_001322012.2); c.1338G>A, p.Gln446= (NM_001322013.2, NM_001406909.1); c.1911G>A, p.Gln637= (NM_001322014.2, NM_001406871.1, NM_001406872.1); c.1602G>A, p.Gln534= (NM_001322015.2, NM_001406875.1, NM_001406877.1 and 5 more transcripts); and 13 more.
Identifiers: ClinVar variation 2970975 (VCV002970975.5), dbSNP rs2128721376, ClinGen allele CA453745729.